The following is an entry in ClinVar:

ClinVar aggregate classification (germline): Likely benign (1 of 4 stars; one submission).

Allele frequency attached by ClinVar (database versions not stated): 1000 Genomes Project 30x 0.00016; 1000 Genomes Project 0.00020; TOPMed 0.00029; ESP Exome Variant Server 0.00031.
gnomAD v4.1: 80 of 1,483,544 alleles (0.0054%); highest among the groups gnomAD compares: African/African-American, 0.16%; no homozygotes.

Submission:

GeneDx
Classification: Likely benign. Last evaluated: 2016-06-03. Review status: criteria provided, single submitter. Criteria: GeneDx Variant Classification (06012015). Collection method: clinical testing. Allele origin: germline. Affected: yes.
Comment: This variant is considered likely benign or benign based on one or more of the following criteria: it is a conservative change, it occurs at a poorly conserved position in the protein, it is predicted to be benign by multiple in silico algorithms, and/or has population frequency not consistent with disease.

NM_001277062.2(MFF):c.-40-829T>G

Gene: MFF (mitochondrial fission factor; plus strand). Cytogenetic location: 2q36.3.
Variant type: single nucleotide variant.
Coding change: c.-40-829T>G on transcript NM_001277062.2 (MANE Select); 829 bases into the intron before 40 bases upstream of the start codon, T replaced by G.
Molecular consequence: intron variant.
Genome position (GRCh38, 1-based): chr2:227,329,797, T>G. VCF-style: chr2-227329797-T-G. GRCh37 (hg19) VCF-style: chr2-228194513-T-G.
Other names: c.38+14T>G (NM_001277061.2, NM_020194.5); c.-40-829T>G (NM_001277063.2, NM_001277064.2, NM_001277065.2 and 2 more transcripts); c.-36+14T>G (NM_001277067.1).
Identifiers: ClinVar variation 385803 (VCV000385803.1), dbSNP rs374828223, ClinGen allele CA2147752.